The following is an entry in ClinVar:

ClinVar aggregate classification (germline): Uncertain significance (1 of 4 stars; one submission).

Submission:

Ambry Genetics
Classification: Uncertain significance. Last evaluated: 2025-10-09. Review status: criteria provided, single submitter. Criteria: Ambry Variant Classification Scheme 2023. Collection method: clinical testing. Allele origin: germline.
Comment: The p.P1279S variant (also known as c.3835C>T), located in coding exon 14 of the CDK12 gene, results from a C to T substitution at nucleotide position 3835. The proline at codon 1279 is replaced by serine, an amino acid with similar properties. This amino acid position is conserved. In addition, the in silico prediction for this alteration is inconclusive. Based on the available evidence, the clinical significance of this variant remains unclear.

NM_016507.4(CDK12):c.3835C>T (p.Pro1279Ser)

Gene: CDK12 (cyclin dependent kinase 12; plus strand). Cytogenetic location: 17q12.
Variant type: single nucleotide variant.
Coding change: c.3835C>T on transcript NM_016507.4 (MANE Select); coding-DNA position 3835, C replaced by T.
Protein change: p.Pro1279Ser; replaces proline 1279 with serine.
Molecular consequence: missense variant.
Genome position (GRCh38, 1-based): chr17:39,530,678, C>T. VCF-style: chr17-39530678-C-T. GRCh37 (hg19) VCF-style: chr17-37686931-C-T.
Other names: c.3808C>T, p.Pro1270Ser (NM_015083.4); short protein forms P1279S, P1270S.
Identifiers: ClinVar variation 4651363 (VCV004651363.1).